The following is an entry in ClinVar:

NM_170784.3(MKKS):c.428A>G (p.Asp143Gly)

Gene: MKKS (MKKS centrosomal shuttling protein; minus strand). Cytogenetic location: 20p12.2.
Variant type: single nucleotide variant.
Coding change: c.428A>G on transcript NM_170784.3 (MANE Select); coding-DNA position 428, A replaced by G.
Protein change: p.Asp143Gly; replaces aspartic acid 143 with glycine.
Molecular consequence: missense variant.
Genome position (GRCh38, 1-based): chr20:10,413,087, T>C on the plus strand (A>G on the coding strand, the complement: MKKS is on the minus strand). VCF-style: chr20-10413087-T-C. GRCh37 (hg19) VCF-style: chr20-10393735-T-C.
Other names: c.428A>G, p.Asp143Gly (NM_018848.3); short protein forms D143G.
Identifiers: ClinVar variation 4997197 (VCV004997197.1).

ClinVar aggregate classification (germline): Uncertain significance (1 of 4 stars; one submission).

Conditions:
MKKS-related disorder. Also called: MKKS-related disorders; MKKS-related condition.

gnomAD v4.1: 2 of 1,613,950 alleles (0.00012%); highest among the groups gnomAD compares: African/African-American, 0.0027%; no homozygotes.

Submission:

PreventionGenetics, part of Exact Sciences
Classification: Uncertain significance for MKKS-related condition. Last evaluated: 2025-06-23. Review status: criteria provided, single submitter. Criteria: ACMG Guidelines, 2015. Collection method: clinical testing. Allele origin: germline.
Comment: The MKKS c.428A>G variant is predicted to result in the amino acid substitution p.Asp143Gly. To our knowledge, this variant has not been reported in the literature. This variant is reported in 0.0062% of alleles in individuals of African descent in gnomAD. At this time, the clinical significance of this variant is uncertain due to the absence of conclusive functional and genetic evidence.